The following is an entry in ClinVar:

NM_003922.4(HERC1):c.6564T>C (p.Asp2188=)

Gene: HERC1 (HECT and RLD domain containing E3 ubiquitin protein ligase family member 1; minus strand). Cytogenetic location: 15q22.31.
Variant type: single nucleotide variant.
Coding change: c.6564T>C on transcript NM_003922.4 (MANE Select); coding-DNA position 6564, T replaced by C.
Protein change: p.Asp2188=; no amino-acid change (aspartic acid 2188 retained).
Molecular consequence: synonymous variant.
Genome position (GRCh38, 1-based): chr15:63,678,351, A>G on the plus strand (T>C on the coding strand, the complement: HERC1 is on the minus strand). VCF-style: chr15-63678351-A-G. GRCh37 (hg19) VCF-style: chr15-63970550-A-G.
Identifiers: ClinVar variation 739281 (VCV000739281.34), dbSNP rs201044362, ClinGen allele CA7605308.

ClinVar aggregate classification (germline): Likely benign. Review status: criteria provided, multiple submitters, no conflicts (2 of 4 stars). 3 submissions from 3 submitters: Likely benign (3). Last evaluated 2026-01-19.

Allele frequency attached by ClinVar (database versions not stated): gnomAD 0.00006 and 0.00007; gnomAD exomes 0.00009 and 0.00013; TOPMed 0.00009; ExAC 0.00010; 1000 Genomes Project 30x 0.00016; 1000 Genomes Project 0.00020.
gnomAD v4.1: 209 of 1,594,370 alleles (0.013%); highest among the groups gnomAD compares: Middle Eastern, 0.18%; no homozygotes.

Submissions (3):

Labcorp Genetics (formerly Invitae), Labcorp
Classification: Likely benign. Last evaluated: 2026-01-19. Review status: criteria provided, single submitter. Criteria: Invitae Variant Classification Sherloc (09022015). Collection method: clinical testing. Allele origin: germline.

CeGaT Center for Human Genetics Tuebingen
Classification: Likely benign. Last evaluated: 2023-11-01. Review status: criteria provided, single submitter. Criteria: CeGaT Center For Human Genetics Tuebingen Variant Classification Criteria Version 2. Collection method: clinical testing. Allele origin: germline. Affected: yes. Observed: 2 variant alleles.
Comment: HERC1: BP4, BP7

Breakthrough Genomics
Classification: Likely benign. Review status: criteria provided, single submitter. Criteria: ACMG Guidelines, 2015. Collection method: not provided. Allele origin: germline. Inheritance: Autosomal recessive inheritance. Affected: yes.